The following is an entry in ClinVar:

ClinVar aggregate classification (germline): Uncertain significance. Review status: criteria provided, multiple submitters, no conflicts (2 of 4 stars). 2 submissions from 2 submitters: Uncertain significance (2). Last evaluated 2024-08-12.

Conditions:
Hereditary cancer. Identifiers: MedGen C1333600.
Hereditary cancer-predisposing syndrome. Also called: Neoplastic Syndromes, Hereditary; Hereditary Cancer Syndrome; Tumor predisposition; Hereditary neoplastic syndrome. Identifiers: Orphanet 140162, MedGen C0027672, MeSH D009386, MONDO:0015356.

Submissions (2):

Mendelics
Classification: Uncertain significance for Hereditary cancer. Last evaluated: 2024-08-12. Review status: criteria provided, single submitter. Criteria: ACMG Guidelines, 2015. Collection method: clinical testing. Allele origin: unknown.

Ambry Genetics
Classification: Uncertain significance for Hereditary cancer-predisposing syndrome. Last evaluated: 2022-12-21. Review status: criteria provided, single submitter. Criteria: Ambry Variant Classification Scheme 2023. Collection method: clinical testing. Allele origin: germline.
Comment: The c.6841+5G>A intronic variant results from a G to A substitution 5 nucleotides after coding exon 10 in the BRCA2 gene. This nucleotide position is highly conserved in available vertebrate species. In silico splice site analysis predicts that this alteration may weaken the native splice donor site; however, direct evidence is insufficient at this time (Ambry internal data). Since supporting evidence is limited at this time, the clinical significance of this alteration remains unclear.

NM_000059.4(BRCA2):c.6841+5G>A

Gene: BRCA2 (BRCA2 DNA repair associated; plus strand). Cytogenetic location: 13q13.1.
Variant type: single nucleotide variant.
Coding change: c.6841+5G>A on transcript NM_000059.4 (MANE Select); 5 bases into the intron after coding-DNA position 6841, G replaced by A.
Molecular consequence: intron variant.
Genome position (GRCh38, 1-based): chr13:32,341,201, G>A. VCF-style: chr13-32341201-G-A. GRCh37 (hg19) VCF-style: chr13-32915338-G-A.
Other names: c.6841+5G>A (NM_001406720.1, NM_001406719.1); c.1910-3357G>A (NM_001406721.1); c.425-3357G>A (NM_001406722.1).
Identifiers: ClinVar variation 2447015 (VCV002447015.3), dbSNP rs2137531122, ClinGen allele CA2580088066.